The following is an entry in ClinVar:

NM_000834.5(GRIN2B):c.2861G>C (p.Cys954Ser)

Gene: GRIN2B (glutamate ionotropic receptor NMDA type subunit 2B; minus strand). Cytogenetic location: 12p13.1.
Variant type: single nucleotide variant.
Coding change: c.2861G>C on transcript NM_000834.5 (MANE Select); coding-DNA position 2861, G replaced by C.
Protein change: p.Cys954Ser; replaces cysteine 954 with serine.
Molecular consequence: missense variant.
Genome position (GRCh38, 1-based): chr12:13,564,377, C>G on the plus strand (G>C on the coding strand, the complement: GRIN2B is on the minus strand). VCF-style: chr12-13564377-C-G. GRCh37 (hg19) VCF-style: chr12-13717311-C-G.
Other names: c.2861G>C, p.Cys954Ser (NM_001413992.1); short protein forms C954S.
Identifiers: ClinVar variation 4793991 (VCV004793991.1).

ClinVar aggregate classification (germline): Uncertain significance (1 of 4 stars; one submission).

Conditions:
Developmental and epileptic encephalopathy, 27 (DEE27). Also called: Epileptic encephalopathy, early infantile, 27; GRIN2B-Related Neurodevelopmental Disorder. Identifiers: Orphanet 3451, MedGen C4015316, MONDO:0014505, OMIM 616139.
Intellectual developmental disorder, autosomal dominant 6, with or without seizures. Also called: Intellectual disability, autosomal dominant 6; GRIN2B-related developmental delay, intellectual disability and autism spectrum disorder. Identifiers: Orphanet 589547, MedGen C3151411, MONDO:0013509, OMIM 613970.

gnomAD v4.1: 1 of 1,614,222 alleles (0.000062%); highest among the groups gnomAD compares: Non-Finnish European, 0.000085%; no homozygotes.

Submission:

Labcorp Genetics (formerly Invitae), Labcorp
Classification: Uncertain significance for Developmental and epileptic encephalopathy, 27; Intellectual developmental disorder, autosomal dominant 6, with or without seizures. Last evaluated: 2025-05-03. Review status: criteria provided, single submitter. Criteria: Invitae Variant Classification Sherloc (09022015). Collection method: clinical testing. Allele origin: germline.
Comment: This sequence change replaces cysteine, which is neutral and slightly polar, with serine, which is neutral and polar, at codon 954 of the GRIN2B protein (p.Cys954Ser). This variant is not present in population databases (gnomAD no frequency). This variant has not been reported in the literature in individuals affected with GRIN2B-related conditions. Invitae Evidence Modeling of protein sequence and biophysical properties (such as structural, functional, and spatial information, amino acid conservation, physicochemical variation, residue mobility, and thermodynamic stability) indicates that this missense variant is not expected to disrupt GRIN2B protein function with a negative predictive value of 95%. In summary, the available evidence is currently insufficient to determine the role of this variant in disease. Therefore, it has been classified as a Variant of Uncertain Significance.